The following is an entry in ClinVar:

NM_000391.4(TPP1):c.216C>A (p.Ser72Arg)

Gene: TPP1 (tripeptidyl peptidase 1; minus strand). Cytogenetic location: 11p15.4.
Variant type: single nucleotide variant.
Coding change: c.216C>A on transcript NM_000391.4 (MANE Select); coding-DNA position 216, C replaced by A.
Protein change: p.Ser72Arg; replaces serine 72 with arginine.
Molecular consequence: missense variant.
Genome position (GRCh38, 1-based): chr11:6,618,789, G>T on the plus strand (C>A on the coding strand, the complement: TPP1 is on the minus strand). VCF-style: chr11-6618789-G-T. GRCh37 (hg19) VCF-style: chr11-6640020-G-T.
Other names: p.S72R:AGC>AGA; short protein forms S72R.
Identifiers: ClinVar variation 207549 (VCV000207549.1), dbSNP rs796053431, ClinGen allele CA319128.
Genomic context (GRCh38, chr11:6,618,789, plus strand): 5'-TGTCCCTCCACCGCATCCCACATCCTGTCCTCAGTCCCAAAAGGCACCGTATTGAGGAGA[G>T]CTGGGATCCGACACAGCCTGCACCAGCTCCGAGAGTCTTTCCACATTCTGCTGTCTCAGG-3'
Protein context (NP_000382.3, residues 62-82): SELVQAVSDP[Ser72Arg]SPQYGKYLTL

ClinVar aggregate classification (germline): Likely benign (1 of 4 stars; one submission).

Submission:

GeneDx
Classification: Likely benign. Last evaluated: 2012-05-31. Review status: criteria provided, single submitter. Criteria: GeneDx Variant Classification (06012015). Collection method: clinical testing. Allele origin: germline. Affected: yes.
Comment: This variant is considered likely benign or benign based on one or more of the following criteria: it is a conservative change, it occurs at a poorly conserved position in the protein, it is predicted to be benign by multiple in silico algorithms, and/or has population frequency not consistent with disease.